The following is an entry in ClinVar:

NM_032242.4(PLXNA1):c.1309G>C (p.Val437Leu)

Gene: PLXNA1 (plexin A1; plus strand). Cytogenetic location: 3q21.3.
Variant type: single nucleotide variant.
Coding change: c.1309G>C on transcript NM_032242.4 (MANE Select); coding-DNA position 1309, G replaced by C.
Protein change: p.Val437Leu; replaces valine 437 with leucine.
Molecular consequence: missense variant.
Genome position (GRCh38, 1-based): chr3:126,991,498, G>C. VCF-style: chr3-126991498-G-C. GRCh37 (hg19) VCF-style: chr3-126710341-G-C.
Other names: short protein forms V437L.
Identifiers: ClinVar variation 2634871 (VCV002634871.4), dbSNP rs150194563, ClinGen allele CA2593185.
Genomic context (GRCh38, chr3:126,991,498, plus strand): 5'-GGCACAGTCACCATTGAGGGGACGCCCCTGTTCGTGGACAAGGATGATGGCCTGACCGCC[G>C]TGGCTGCCTATGACTATCGGGGCCGCACTGTGGTATTCGCCGGCACGCGAAGTGGCCGCA-3'
Protein context (NP_115618.3, residues 427-447): FVDKDDGLTA[Val437Leu]AAYDYRGRTV

ClinVar aggregate classification (germline): Uncertain significance (1 of 4 stars; one submission).

Conditions:
PLXNA1-related disorder. Also called: PLXNA1-related condition.

Allele frequency attached by ClinVar (database versions not stated): gnomAD 0.00006; TOPMed 0.00006; ExAC 0.00008; ESP Exome Variant Server 0.00008.
gnomAD v4.1: 132 of 1,612,324 alleles (0.0082%); highest among the groups gnomAD compares: Non-Finnish European, 0.011%; no homozygotes.

Submission:

PreventionGenetics, part of Exact Sciences
Classification: Uncertain significance for PLXNA1-related condition. Last evaluated: 2026-02-17. Review status: criteria provided, single submitter. Criteria: ACMG Guidelines, 2015. Collection method: clinical testing. Allele origin: germline.
Comment: The PLXNA1 c.1309G>C variant is predicted to result in the amino acid substitution p.Val437Leu. This variant has been reported in the heterozygous state in an individual with Kallmann syndrome (Marcos et al. 2017. PubMed ID: 28334861). This variant is reported in 0.016% of alleles in individuals of European (Non-Finnish) descent in gnomAD. At this time, the clinical significance of this variant is uncertain due to the absence of conclusive functional and genetic evidence.